The following is an entry in ClinVar:

NM_206933.4(USH2A):c.2531G>A (p.Cys844Tyr)

Genes: USH2A (usherin; minus strand), LOC122152296 (Sharpr-MPRA regulatory region 8762; plus strand). Cytogenetic location: 1q41.
Variant type: single nucleotide variant.
Coding change: c.2531G>A on transcript NM_206933.4 (MANE Select); coding-DNA position 2531, G replaced by A.
Protein change: p.Cys844Tyr; replaces cysteine 844 with tyrosine.
Molecular consequence: missense variant.
Genome position (GRCh38, 1-based): chr1:216,246,863, C>T on the plus strand (G>A on the coding strand, the complement: USH2A is on the minus strand). VCF-style: chr1-216246863-C-T. GRCh37 (hg19) VCF-style: chr1-216420205-C-T.
Other names: c.2531G>A, p.Cys844Tyr (NM_007123.6); c.2531G>A (NM_206933.2); short protein forms C844Y.
Identifiers: ClinVar variation 1380087 (VCV001380087.6), dbSNP rs564453853, ClinGen allele CA37501309.

ClinVar aggregate classification (germline): Uncertain significance. Review status: criteria provided, multiple submitters, no conflicts (2 of 4 stars). 3 submissions from 3 submitters: Uncertain significance (3). Last evaluated 2026-08-28.

Conditions:
USH2A-related disorder. Also called: USH2A-related disorders; USH2A-related condition. Identifiers: MedGen CN239332.

Allele frequency attached by ClinVar (database versions not stated): gnomAD exomes 0.00002; gnomAD 0.00007.
gnomAD v4.1: 39 of 1,614,012 alleles (0.0024%); highest among the groups gnomAD compares: Admixed American, 0.013%; no homozygotes.

Submissions (3):

PreventionGenetics, part of Exact Sciences
Classification: Uncertain significance for USH2A-related condition. Last evaluated: 2026-08-28. Review status: criteria provided, single submitter. Criteria: ACMG Guidelines, 2015. Collection method: clinical testing. Allele origin: germline.
Comment: The USH2A c.2531G>A variant is predicted to result in the amino acid substitution p.Cys844Tyr. To our knowledge, this variant has not been reported in the literature. This variant is reported in 0.0058% of alleles in individuals of Latino descent in gnomAD. At this time, the clinical significance of this variant is uncertain due to the absence of conclusive functional and genetic evidence.

Blueprint Genetics
Classification: Uncertain significance. Last evaluated: 2023-01-16. Review status: criteria provided, single submitter. Criteria: ACMG Guidelines, 2015. Collection method: clinical testing. Allele origin: germline.

Labcorp Genetics (formerly Invitae), Labcorp
Classification: Uncertain significance. Last evaluated: 2022-10-04. Review status: criteria provided, single submitter. Criteria: Invitae Variant Classification Sherloc (09022015). Collection method: clinical testing. Allele origin: germline.
Comment: This sequence change replaces cysteine, which is neutral and slightly polar, with tyrosine, which is neutral and polar, at codon 844 of the USH2A protein (p.Cys844Tyr). This variant is present in population databases (no rsID available, gnomAD 0.006%). This variant has not been reported in the literature in individuals affected with USH2A-related conditions. ClinVar contains an entry for this variant (Variation ID: 1380087). Advanced modeling of protein sequence and biophysical properties (such as structural, functional, and spatial information, amino acid conservation, physicochemical variation, residue mobility, and thermodynamic stability) performed at Invitae indicates that this missense variant is expected to disrupt USH2A protein function. In summary, the available evidence is currently insufficient to determine the role of this variant in disease. Therefore, it has been classified as a Variant of Uncertain Significance.